The following is an entry in ClinVar:

NM_015978.3(TNNI3K):c.176A>G (p.Asn59Ser)

Genes: TNNI3K (TNNI3 interacting kinase; plus strand), FPGT-TNNI3K (FPGT-TNNI3K readthrough; plus strand). Cytogenetic location: 1p31.1.
Variant type: single nucleotide variant.
Coding change: c.176A>G on transcript NM_015978.3 (MANE Select); coding-DNA position 176, A replaced by G.
Protein change: p.Asn59Ser; replaces asparagine 59 with serine.
Molecular consequence: missense variant.
Genome position (GRCh38, 1-based): chr1:74,249,485, A>G. VCF-style: chr1-74249485-A-G. GRCh37 (hg19) VCF-style: chr1-74715169-A-G.
Other names: c.479A>G, p.Asn160Ser (NM_001112808.3, NM_001199327.2); c.176A>G (NM_015978.2); short protein forms N160S, N59S.
Identifiers: ClinVar variation 1441837 (VCV001441837.30), dbSNP rs199714304, ClinGen allele CA24544310.
Genomic context (GRCh38, chr1:74,249,485, plus strand): 5'-AATTTTGTGATCATCTGTAACATGTTTTTTTCAGCTCTGATGAAGCCTTCAGTAAAGTCA[A>G]TTTAAATTACCGCACTGAAAATGGGCTGTCTCTACTTCATTTATGTTGCATTTGTGGAGG-3'
Protein context (NP_057062.1, residues 49-69): FGSDEAFSKV[Asn59Ser]LNYRTENGLS

ClinVar aggregate classification (germline): Conflicting classifications of pathogenicity. Review status: criteria provided, conflicting classifications (1 of 4 stars). 3 submissions from 3 submitters: Uncertain significance (2); Likely benign (1). Last evaluated 2025-04-24.

Conditions:
Inborn genetic diseases. Identifiers: MedGen C0950123, MeSH D030342.

Allele frequency attached by ClinVar (database versions not stated): gnomAD 0.00004; gnomAD exomes 0.00004; TOPMed 0.00004.
gnomAD v4.1: 44 of 1,613,554 alleles (0.0027%); highest among the groups gnomAD compares: East Asian, 0.02%; 1 homozygote.

Submissions (3):

Labcorp Genetics (formerly Invitae), Labcorp
Classification: Uncertain significance. Last evaluated: 2025-04-24. Review status: criteria provided, single submitter. Criteria: Invitae Variant Classification Sherloc (09022015). Collection method: clinical testing. Allele origin: germline.
Comment: This sequence change replaces asparagine, which is neutral and polar, with serine, which is neutral and polar, at codon 59 of the TNNI3K protein (p.Asn59Ser). This variant is present in population databases (rs199714304, gnomAD 0.02%), including at least one homozygous and/or hemizygous individual. This variant has not been reported in the literature in individuals affected with TNNI3K-related conditions. ClinVar contains an entry for this variant (Variation ID: 1441837). Invitae Evidence Modeling of protein sequence and biophysical properties (such as structural, functional, and spatial information, amino acid conservation, physicochemical variation, residue mobility, and thermodynamic stability) indicates that this missense variant is not expected to disrupt TNNI3K protein function with a negative predictive value of 80%. In summary, the available evidence is currently insufficient to determine the role of this variant in disease. Therefore, it has been classified as a Variant of Uncertain Significance.

Ambry Genetics
Classification: Uncertain significance for Inborn genetic diseases. Last evaluated: 2024-08-01. Review status: criteria provided, single submitter. Criteria: Ambry Variant Classification Scheme 2023. Collection method: clinical testing. Allele origin: germline.

CeGaT Center for Human Genetics Tuebingen
Classification: Likely benign. Last evaluated: 2022-12-01. Review status: criteria provided, single submitter. Criteria: CeGaT Center For Human Genetics Tuebingen Variant Classification Criteria Version 2. Collection method: clinical testing. Allele origin: germline. Affected: yes. Observed: 1 variant allele.
Comment: TNNI3K: BP4